The following is an entry in ClinVar:

ClinVar aggregate classification (germline): Uncertain significance. Review status: criteria provided, multiple submitters, no conflicts (2 of 4 stars). 5 submissions from 5 submitters: Uncertain significance (5). Last evaluated 2026-03-01.

Conditions:
Familial thoracic aortic aneurysm and aortic dissection (TAAD). Also called: Thoracic aortic aneurysms and dissections. Identifiers: Orphanet 91387, MedGen C4707243, MONDO:0019625.
Aortic aneurysm, familial thoracic 7 (AAT7). Also called: AORTIC DISSECTION, FAMILIAL, WITH OR WITHOUT AORTIC ANEURYSM. Identifiers: MedGen C3151077, MONDO:0013418, OMIM 613780.
Megacystis-microcolon-intestinal hypoperistalsis syndrome 1. Identifiers: MedGen C5542316, MONDO:0100354, OMIM 249210.

Allele frequency attached by ClinVar (database versions not stated): ExAC 0.00002; gnomAD exomes 0.00002; gnomAD 0.00009; TOPMed 0.00014; 1000 Genomes Project 30x 0.00016; 1000 Genomes Project 0.00020.
gnomAD v4.1: 42 of 1,614,132 alleles (0.0026%); highest among the groups gnomAD compares: African/African-American, 0.025%; no homozygotes.

Submissions (5):

CeGaT Center for Human Genetics Tuebingen
Classification: Uncertain significance. Last evaluated: 2026-03-01. Review status: criteria provided, single submitter. Criteria: CeGaT Center For Human Genetics Tuebingen Variant Classification Criteria Version 2. Collection method: clinical testing. Allele origin: germline. Affected: yes. Observed: 1 variant allele.
Comment: MYLK: PM2

Labcorp Genetics (formerly Invitae), Labcorp
Classification: Uncertain significance for Aortic aneurysm, familial thoracic 7. Last evaluated: 2025-11-21. Review status: criteria provided, single submitter. Criteria: Invitae Variant Classification Sherloc (09022015). Collection method: clinical testing. Allele origin: germline.
Comment: This sequence change replaces asparagine, which is neutral and polar, with serine, which is neutral and polar, at codon 1672 of the MYLK protein (p.Asn1672Ser). This variant is present in population databases (rs577501563, gnomAD 0.03%). This missense change has been observed in individual(s) with clinical features of MYLK-related conditions (internal data). ClinVar contains an entry for this variant (Variation ID: 1368072). Invitae Evidence Modeling of protein sequence and biophysical properties (such as structural, functional, and spatial information, amino acid conservation, physicochemical variation, residue mobility, and thermodynamic stability) indicates that this missense variant is not expected to disrupt MYLK protein function with a negative predictive value of 95%. In summary, the available evidence is currently insufficient to determine the role of this variant in disease. Therefore, it has been classified as a Variant of Uncertain Significance.

Ambry Genetics
Classification: Uncertain significance for Familial thoracic aortic aneurysm and aortic dissection. Last evaluated: 2025-05-03. Review status: criteria provided, single submitter. Criteria: Ambry Variant Classification Scheme 2023. Collection method: clinical testing. Allele origin: germline.
Comment: The p.N1672S variant (also known as c.5015A>G), located in coding exon 27 of the MYLK gene, results from an A to G substitution at nucleotide position 5015. The asparagine at codon 1672 is replaced by serine, an amino acid with highly similar properties. This amino acid position is conserved. In addition, this alteration is predicted to be tolerated by in silico analysis. Since supporting evidence is limited at this time, the clinical significance of this alteration remains unclear.

GeneDx
Classification: Uncertain significance. Last evaluated: 2024-05-07. Review status: criteria provided, single submitter. Criteria: GeneDx Variant Classification Process June 2021. Collection method: clinical testing. Allele origin: germline. Affected: yes.
Comment: In silico analysis supports that this missense variant has a deleterious effect on protein structure/function; Has not been previously published as pathogenic or benign to our knowledge

Fulgent Genetics
Classification: Uncertain significance for Megacystis-microcolon-intestinal hypoperistalsis syndrome 1; Aortic aneurysm, familial thoracic 7. Last evaluated: 2021-10-05. Review status: criteria provided, single submitter. Criteria: ACMG Guidelines, 2015. Collection method: clinical testing. Allele origin: unknown.

NM_053025.4(MYLK):c.5015A>G (p.Asn1672Ser)

Genes: MYLK (myosin light chain kinase; minus strand), MYLK-AS1 (MYLK antisense RNA 1; plus strand), LOC126806791 (MED14-independent group 3 enhancer GRCh37_chr3:123347871-123349070; plus strand). Cytogenetic location: 3q21.1.
Variant type: single nucleotide variant.
Coding change: c.5015A>G on transcript NM_053025.4 (MANE Select); coding-DNA position 5015, A replaced by G.
Protein change: p.Asn1672Ser; replaces asparagine 1672 with serine.
Molecular consequence: missense variant. On other transcripts: non-coding transcript variant (2), intron variant (2).
Genome position (GRCh38, 1-based): chr3:123,629,573, T>C on the plus strand (A>G on the coding strand, the complement: MYLK is on the minus strand). VCF-style: chr3-123629573-T-C. GRCh37 (hg19) VCF-style: chr3-123348420-T-C.
Other names: c.4487A>G, p.Asn1496Ser (NM_001321309.2); c.4808A>G, p.Asn1603Ser (NM_053026.4); c.4755-2632A>G (NM_053028.4); c.4962-2632A>G (NM_053027.4); short protein forms N1603S, N1672S, N1496S.
Identifiers: ClinVar variation 1368072 (VCV001368072.16), dbSNP rs577501563, ClinGen allele CA072392.
Genomic context (GRCh38, chr3:123,629,573, plus strand): 5'-GCATCGTCGGAGATCTCATCGAATGCCTCGTCGTCGAAGTCCCAGGTGGCTGAGGTAACG[T>C]TGGCCAAGGTTTCGTTATCGTTGTCTCCCATGAAGGGGGAAAGGCCACTGACTCTGGAGA-3'
Protein context (NP_444253.3, residues 1662-1682): MGDNDNETLA[Asn1672Ser]VTSATWDFDD